The following is an entry in ClinVar:

ClinVar aggregate classification (germline): Uncertain significance (1 of 4 stars; one submission).

Conditions:
ALMS1-related disorder. Also called: ALMS1-related condition.

Submission:

PreventionGenetics, part of Exact Sciences
Classification: Uncertain significance for ALMS1-related condition. Last evaluated: 2025-05-15. Review status: criteria provided, single submitter. Criteria: ACMG Guidelines, 2015. Collection method: clinical testing. Allele origin: germline.
Comment: The ALMS1 c.8131A>G variant is predicted to result in the amino acid substitution p.Thr2711Ala. To our knowledge, this variant has not been reported in the literature. This variant is reported in 0.0083% of alleles in individuals of African descent in gnomAD. At this time, the clinical significance of this variant is uncertain due to the absence of conclusive functional and genetic evidence.

NM_001378454.1(ALMS1):c.8128A>G (p.Lys2710Glu)

Gene: ALMS1 (ALMS1 centrosome and basal body associated protein; plus strand). Cytogenetic location: 2p13.1.
Variant type: single nucleotide variant.
Coding change: c.8128A>G on transcript NM_001378454.1 (MANE Select); coding-DNA position 8128, A replaced by G.
Protein change: p.Lys2710Glu; replaces lysine 2710 with glutamic acid.
Molecular consequence: missense variant.
Genome position (GRCh38, 1-based): chr2:73,490,087, A>G. VCF-style: chr2-73490087-A-G. GRCh37 (hg19) VCF-style: chr2-73717214-A-G.
Other names: c.8131A>G, p.Lys2711Glu (NM_015120.4); short protein forms K2710E, K2711E.
Identifiers: ClinVar variation 5001307 (VCV005001307.1).